The following is an entry in ClinVar:

ClinVar aggregate classification (germline): Pathogenic/Likely pathogenic. Review status: criteria provided, multiple submitters, no conflicts (2 of 4 stars). 6 submissions from 6 submitters: Pathogenic (4); Likely pathogenic (1). 1 of the submissions does not count toward it. Last evaluated 2026-02-03.

Conditions:
Inborn genetic diseases. Identifiers: MedGen C0950123, MeSH D030342.
Intellectual developmental disorder, autosomal recessive 13. Also called: Intellectual disability, autosomal recessive 13. Identifiers: Orphanet 88616, MedGen C2750791, MONDO:0013173, OMIM 613192.

Allele frequency attached by ClinVar (database versions not stated): gnomAD 0.00003; gnomAD exomes 0.00004 and 0.00003; TOPMed 0.00003; ExAC 0.00002.
gnomAD v4.1: 61 of 1,614,070 alleles (0.0038%); highest among the groups gnomAD compares: Admixed American, 0.005%; no homozygotes.

Submissions (6):

Labcorp Genetics (formerly Invitae), Labcorp
Classification: Pathogenic. Last evaluated: 2026-02-03. Review status: criteria provided, single submitter. Criteria: Invitae Variant Classification Sherloc (09022015). Collection method: clinical testing. Allele origin: germline.
Comment: This sequence change creates a premature translational stop signal (p.Arg570*) in the TRAPPC9 gene. It is expected to result in an absent or disrupted protein product. Loss-of-function variants in TRAPPC9 are known to be pathogenic (PMID: 2000476, 20004763, 20004764). This variant is present in population databases (rs267607137, gnomAD 0.01%). This premature translational stop signal has been observed in individual(s) with mental retardation (PMID: 20004764). ClinVar contains an entry for this variant (Variation ID: 759). For these reasons, this variant has been classified as Pathogenic.

GeneDx
Classification: Pathogenic. Last evaluated: 2021-11-08. Review status: criteria provided, single submitter. Criteria: GeneDx Variant Classification Process June 2021. Collection method: clinical testing. Allele origin: germline. Affected: yes.
Comment: Nonsense variant predicted to result in protein truncation or nonsense mediated decay in a gene for which loss-of-function is a known mechanism of disease; Not observed at significant frequency in large population cohorts (gnomAD); This variant is associated with the following publications: (PMID: 25525159, 22549410, 30272317, 20004764, 29187737, 30853973, 30152084, 29031008, 32434006, 34737153)

Laboratory of Molecular and Cellular Screening Processes, Centre of Biotechnology of Sfax
Classification: Pathogenic for Intellectual developmental disorder, autosomal recessive 13. Last evaluated: 2021-06-09. Review status: criteria provided, single submitter. Criteria: ACMG Guidelines, 2015. Collection method: clinical testing. Allele origin: germline. Inheritance: Autosomal recessive inheritance. Affected: yes and no. Observed: 4 heterozygotes, 2 homozygotes. Clinical features observed: Severe intellectual disability (HP:0010864), Primary microcephaly (HP:0011451), Seizure (HP:0001250), Autistic behavior (HP:0000729), Brain imaging abnormality (HP:0410263), Abnormal facial shape (HP:0001999). Segregation with disease observed.
Comment: The p.Arg472Ter variant in the TRAPPC9 gene has been already reported in the homozygous state in two separately consanguineous Tunisian families of three siblings with autosomal recessive microcephaly and intellectual disability (Philippe et al., 2009 and Mortreux et al.,2018). In vitro studies of the p.Arg472Ter variant revealed undetectable levels of TRAPPC9 protein in skin fibroblasts from a patient with the homozygous p.Arg472Ter variant (Philippe et al., 2009). The p.Arg472Ter is a very rare variant, reported in heterozygous state in the gnomAD (exome) database with AF=0.0032 % ( 8 alleles of 251,490). We interpret the p.Arg472Ter as a pathogenic variant.(ACMG criteria : PVS1,PP5,PM2,PP3)

Ambry Genetics
Classification: Pathogenic for Inborn genetic diseases. Last evaluated: 2021-05-27. Review status: criteria provided, single submitter. Criteria: Ambry Variant Classification Scheme 2023. Collection method: clinical testing. Allele origin: germline.
Comment: The c.1708C>T (p.R570*) alteration, located in exon 9 (coding exon 9) of the TRAPPC9 gene, consists of a C to T substitution at nucleotide position 1708. This changes the amino acid from an arginine (R) to a stop codon at amino acid position 570. This alteration is expected to result in loss of function by premature protein truncation or nonsense-mediated mRNA decay. This variant has been identified as homozygous in three brothers from a consanguineous Tunisian family with autosomal recessive intellectual disability, mild microcephaly, and white matter abnormalities (Philippe, 2009). Expression studies showed an undetectable level of TRAPPC9 protein in patient skin fibroblasts (Philippe, 2009). Based on the available evidence, this alteration is classified as pathogenic.

Equipe Genetique des Anomalies du Developpement, Université de Bourgogne
Classification: Likely pathogenic for Intellectual developmental disorder, autosomal recessive 13. Last evaluated: 2016-01-04. Review status: criteria provided, single submitter. Criteria: ACMG Guidelines, 2015. Collection method: clinical testing. Allele origin: inherited. Affected: yes.

OMIM
Classification: Pathogenic for INTELLECTUAL DEVELOPMENTAL DISORDER, AUTOSOMAL RECESSIVE 13. Last evaluated: 2009-12-01. Review status: no assertion criteria provided. Collection method: literature only. Allele origin: germline. Not counted in ClinVar's aggregate classification.

Literature cited by the submitters: PubMed 2000476 (cited by Labcorp Genetics (formerly Invitae), Labcorp); PubMed 20004763 (cited by Labcorp Genetics (formerly Invitae), Labcorp); PubMed 20004764 (cited by 4 submitters); PubMed 29187737 (cited by Laboratory of Molecular and Cellular Screening Processes, Centre of Biotechnology of Sfax).

NM_001160372.4(TRAPPC9):c.1414C>T (p.Arg472Ter)

Gene: TRAPPC9 (trafficking protein particle complex subunit 9; minus strand). Cytogenetic location: 8q24.3.
Variant type: single nucleotide variant.
Coding change: c.1414C>T on transcript NM_001160372.4 (MANE Select); coding-DNA position 1414, C replaced by T.
Protein change: p.Arg472Ter; replaces arginine 472 with a stop codon.
Molecular consequence: nonsense. On other transcripts: non-coding transcript variant (1), intron variant (1).
Genome position (GRCh38, 1-based): chr8:140,360,131, G>A on the plus strand (C>T on the coding strand, the complement: TRAPPC9 is on the minus strand). VCF-style: chr8-140360131-G-A. GRCh37 (hg19) VCF-style: chr8-141370230-G-A.
Other names: R570*; c.1387C>T, p.Arg463Ter (NM_001321646.2); c.1435C>T, p.Arg479Ter (NM_001374682.1); c.1414C>T, p.Arg472Ter (NM_001374683.1, NM_031466.8); c.1351+10833C>T (NM_001374684.1); short protein forms R472*, R463*, R479*.
Identifiers: ClinVar variation 759 (VCV000000759.12), dbSNP rs267607137, ClinGen allele CA114483.
Genomic context (GRCh38, chr8:140,360,131, plus strand): 5'-GCATGGTCTGTAGAAGGAAGGACAGGTGTCTGACAGAGAGGGCAGGGTTCCCCATCCTTC[G>A]GGAGGCGTAGACCAATTCATGGAGCAAACGCATCTGGACCGCAGCCCAGCCTCTGTGCGT-3'